The following is an entry in ClinVar:

ClinVar aggregate classification (germline): Benign/Likely benign. Review status: criteria provided, multiple submitters, no conflicts (2 of 4 stars). 4 submissions from 4 submitters: Benign (1); Likely benign (3). Last evaluated 2025-05-22.

Conditions:
Hereditary cancer-predisposing syndrome. Also called: Hereditary Cancer Syndrome; Neoplastic Syndromes, Hereditary; Tumor predisposition; Hereditary neoplastic syndrome. Identifiers: Orphanet 140162, MedGen C0027672, MeSH D009386, MONDO:0015356.
Tuberous sclerosis 2 (TSC2). Identifiers: Orphanet 805, MedGen C1860707, MONDO:0013199, OMIM 613254.

gnomAD v4.1: 1 of 1,613,554 alleles (0.000062%); highest among the groups gnomAD compares: Non-Finnish European, 0.000085%; no homozygotes.

Submissions (4):

Myriad Genetics, Inc.
Classification: Benign for Tuberous sclerosis 2. Last evaluated: 2025-05-22. Review status: criteria provided, single submitter. Criteria: Myriad Autosomal Dominant, Autosomal Recessive and X-Linked Classification Criteria (2023). Collection method: clinical testing. Allele origin: unknown.
Comment: This variant is considered benign. This variant is a silent/synonymous amino acid change and it is not expected to impact splicing.

Labcorp Genetics (formerly Invitae), Labcorp
Classification: Likely benign for Tuberous sclerosis 2. Last evaluated: 2024-10-09. Review status: criteria provided, single submitter. Criteria: Invitae Variant Classification Sherloc (09022015). Collection method: clinical testing. Allele origin: germline.

Blueprint Genetics
Classification: Likely benign. Last evaluated: 2024-10-04. Review status: criteria provided, single submitter. Criteria: ACMG Guidelines, 2015. Collection method: clinical testing. Allele origin: germline.

Ambry Genetics
Classification: Likely benign for Hereditary cancer-predisposing syndrome. Last evaluated: 2022-08-22. Review status: criteria provided, single submitter. Criteria: Ambry Variant Classification Scheme 2023. Collection method: clinical testing. Allele origin: germline.

NM_000548.5(TSC2):c.2781C>A (p.Thr927=)

Gene: TSC2 (TSC complex subunit 2; plus strand). Cytogenetic location: 16p13.3.
Variant type: single nucleotide variant.
Coding change: c.2781C>A on transcript NM_000548.5 (MANE Select); coding-DNA position 2781, C replaced by A.
Protein change: p.Thr927=; no amino-acid change (threonine 927 retained).
Molecular consequence: synonymous variant.
Genome position (GRCh38, 1-based): chr16:2,076,529, C>A. VCF-style: chr16-2076529-C-A. GRCh37 (hg19) VCF-style: chr16-2126530-C-A.
Other names: c.2781C>A, p.Thr927= (NM_001077183.3, NM_001114382.3, NM_001363528.2 and 3 more transcripts); c.2670C>A, p.Thr890= (NM_001318827.2); c.2634C>A, p.Thr878= (NM_001318829.2); c.2181C>A, p.Thr727= (NM_001318831.2); c.2814C>A, p.Thr938= (NM_001318832.2).
Identifiers: ClinVar variation 1083556 (VCV001083556.13), dbSNP rs376275903, ClinGen allele CA492954414.
Genomic context (GRCh38, chr16:2,076,529, plus strand): 5'-CTGGGTGTGCTCACTCTGCCAGGGCCTGCGGTCCAATGTCCTCTTGTCTTTTGATGACAC[C>A]CCCGAGAAGGACAGCTTCAGGGCCCGGAGTACTAGTCTCAACGAGAGACCCAAGAGGTAC-3'
Protein context (NP_000539.2, residues 917-937): RSNVLLSFDD[Thr927=]PEKDSFRARS